The following is an entry in ClinVar:

NM_004947.5(DOCK3):c.399C>G (p.His133Gln)

Gene: DOCK3 (dedicator of cytokinesis 3; plus strand). Cytogenetic location: 3p21.2.
Variant type: single nucleotide variant.
Coding change: c.399C>G on transcript NM_004947.5 (MANE Select); coding-DNA position 399, C replaced by G.
Protein change: p.His133Gln; replaces histidine 133 with glutamine.
Molecular consequence: missense variant.
Genome position (GRCh38, 1-based): chr3:51,064,531, C>G. VCF-style: chr3-51064531-C-G. GRCh37 (hg19) VCF-style: chr3-51101962-C-G.
Other names: short protein forms H133Q.
Identifiers: ClinVar variation 3342000 (VCV003342000.16).
Genomic context (GRCh38, chr3:51,064,531, plus strand): 5'-CAAACTACGCCATGTGATGAATGAACTTATTGACCTGCGAAGGCAGCTACTGTCTGGTCA[C>G]CTGACTCAGGATCAGGTGCGGGAGGTTAAGCGGCACATCACCGTGCGCCTGGACTGGGGT-3'
Protein context (NP_004938.1, residues 123-143): IDLRRQLLSG[His133Gln]LTQDQVREVK

ClinVar aggregate classification (germline): Uncertain significance (1 of 4 stars; one submission).

Submission:

CeGaT Center for Human Genetics Tuebingen
Classification: Uncertain significance. Last evaluated: 2024-08-01. Review status: criteria provided, single submitter. Criteria: CeGaT Center For Human Genetics Tuebingen Variant Classification Criteria Version 2. Collection method: clinical testing. Allele origin: germline. Affected: yes. Observed: 1 variant allele.
Comment: DOCK3: PM2